The following is an entry in ClinVar:

ClinVar aggregate classification (germline): Uncertain significance (1 of 4 stars; one submission).

Allele frequency attached by ClinVar (database versions not stated): gnomAD 0.00001; ExAC 0.00003; gnomAD exomes 0.00004; 1000 Genomes Project 30x 0.00016; 1000 Genomes Project 0.00020.
gnomAD v4.1: 20 of 1,613,870 alleles (0.0012%); highest among the groups gnomAD compares: South Asian, 0.022%; no homozygotes.

Submission:

Labcorp Genetics (formerly Invitae), Labcorp
Classification: Uncertain significance. Last evaluated: 2023-11-28. Review status: criteria provided, single submitter. Criteria: Invitae Variant Classification Sherloc (09022015). Collection method: clinical testing. Allele origin: germline.
Comment: This sequence change replaces asparagine, which is neutral and polar, with lysine, which is basic and polar, at codon 1997 of the FAT4 protein (p.Asn1997Lys). This variant is present in population databases (rs578105928, gnomAD 0.04%). This variant has not been reported in the literature in individuals affected with FAT4-related conditions. ClinVar contains an entry for this variant (Variation ID: 1520554). Advanced modeling of protein sequence and biophysical properties (such as structural, functional, and spatial information, amino acid conservation, physicochemical variation, residue mobility, and thermodynamic stability) performed at Invitae indicates that this missense variant is not expected to disrupt FAT4 protein function with a negative predictive value of 80%. In summary, the available evidence is currently insufficient to determine the role of this variant in disease. Therefore, it has been classified as a Variant of Uncertain Significance.

NM_001291303.3(FAT4):c.5991T>G (p.Asn1997Lys)

Gene: FAT4 (FAT atypical cadherin 4; plus strand). Cytogenetic location: 4q28.1.
Variant type: single nucleotide variant.
Coding change: c.5991T>G on transcript NM_001291303.3 (MANE Select); coding-DNA position 5991, T replaced by G.
Protein change: p.Asn1997Lys; replaces asparagine 1997 with lysine.
Molecular consequence: missense variant.
Genome position (GRCh38, 1-based): chr4:125,414,954, T>G. VCF-style: chr4-125414954-T-G. GRCh37 (hg19) VCF-style: chr4-126336109-T-G.
Other names: c.5991T>G, p.Asn1997Lys (NM_001291285.3, NM_024582.6); short protein forms N1997K.
Identifiers: ClinVar variation 1520554 (VCV001520554.6), dbSNP rs578105928, ClinGen allele CA3072851.